The following is an entry in ClinVar:

NM_018163.3(DNAJC17):c.76G>C (p.Glu26Gln)

Genes: DNAJC17 (DnaJ heat shock protein family (Hsp40) member C17; minus strand), ZFYVE19 (zinc finger FYVE-type containing 19; plus strand). Cytogenetic location: 15q15.1.
Variant type: single nucleotide variant.
Coding change: c.76G>C on transcript NM_018163.3 (MANE Select); coding-DNA position 76, G replaced by C.
Protein change: p.Glu26Gln; replaces glutamic acid 26 with glutamine.
Molecular consequence: missense variant. On other transcripts: 5 prime UTR variant (3).
Genome position (GRCh38, 1-based): chr15:40,807,371, C>G on the plus strand (G>C on the coding strand, the complement: DNAJC17 is on the minus strand). VCF-style: chr15-40807371-C-G. GRCh37 (hg19) VCF-style: chr15-41099569-C-G.
Other names: c.-219C>G (NM_001077268.2, NM_001258420.2); c.-547C>G (NM_001258421.2); c.83C>G, p.Ser28Cys (NM_032850.5); short protein forms S28C, E26Q.
Identifiers: ClinVar variation 3084520 (VCV003084520.3), dbSNP rs1235014807, ClinGen allele CA391753154.

ClinVar aggregate classification (germline): Uncertain significance. Review status: criteria provided, multiple submitters, no conflicts (2 of 4 stars). 2 submissions from 2 submitters: Uncertain significance (2). Last evaluated 2025-08-06.

Allele frequency attached by ClinVar (database versions not stated): gnomAD exomes below 0.00001; gnomAD 0.00002; TOPMed 0.00004.
gnomAD v4.1: 13 of 1,614,162 alleles (0.00081%); highest among the groups gnomAD compares: African/African-American, 0.004%; no homozygotes.

Submissions (2):

Labcorp Genetics (formerly Invitae), Labcorp
Classification: Uncertain significance. Last evaluated: 2025-08-06. Review status: criteria provided, single submitter. Criteria: Invitae Variant Classification Sherloc (09022015). Collection method: clinical testing. Allele origin: germline.
Comment: This sequence change replaces glutamic acid, which is acidic and polar, with glutamine, which is neutral and polar, at codon 26 of the DNAJC17 protein (p.Glu26Gln). This variant is not present in population databases (gnomAD no frequency). This variant has not been reported in the literature in individuals affected with DNAJC17-related conditions. ClinVar contains an entry for this variant (Variation ID: 3084520). An algorithm developed to predict the effect of missense changes on protein structure and function (PolyPhen-2) suggests that this variant is likely to be tolerated. In summary, the available evidence is currently insufficient to determine the role of this variant in disease. Therefore, it has been classified as a Variant of Uncertain Significance.

Ambry Genetics
Classification: Uncertain significance. Last evaluated: 2023-11-06. Review status: criteria provided, single submitter. Criteria: Ambry Variant Classification Scheme 2023. Collection method: clinical testing. Allele origin: germline.